The following is an entry in ClinVar:

ClinVar aggregate classification (germline): Benign. Review status: criteria provided, multiple submitters, no conflicts (2 of 4 stars). 3 submissions from 3 submitters: Benign (2). 1 of the submissions does not count toward it. Last evaluated 2026-02-01.

Conditions:
ARMC9-related disorder. Also called: ARMC9-related condition.

Allele frequency attached by ClinVar (database versions not stated): gnomAD exomes 0.00041 and 0.00107; ExAC 0.00144; gnomAD 0.00419 and 0.00441; TOPMed 0.00466; 1000 Genomes Project 30x 0.00468; ESP Exome Variant Server 0.00469; 1000 Genomes Project 0.00539.
gnomAD v4.1: 1,248 of 1,613,860 alleles (0.077%); highest among the groups gnomAD compares: African/African-American, 1.5%; 14 homozygotes.

Submissions (3):

Labcorp Genetics (formerly Invitae), Labcorp
Classification: Benign. Last evaluated: 2026-02-01. Review status: criteria provided, single submitter. Criteria: Invitae Variant Classification Sherloc (09022015). Collection method: clinical testing. Allele origin: germline.

CeGaT Center for Human Genetics Tuebingen
Classification: Benign. Last evaluated: 2024-06-01. Review status: criteria provided, single submitter. Criteria: CeGaT Center For Human Genetics Tuebingen Variant Classification Criteria Version 2. Collection method: clinical testing. Allele origin: germline. Affected: yes. Observed: 1 variant allele.
Comment: ARMC9: BP4, BS1, BS2

PreventionGenetics, part of Exact Sciences
Classification: Likely benign for ARMC9-related condition. Last evaluated: 2019-04-10. Review status: no assertion criteria provided. Collection method: clinical testing. Allele origin: germline. Not counted in ClinVar's aggregate classification.
Comment: This variant is classified as likely benign based on ACMG/AMP sequence variant interpretation guidelines (Richards et al. 2015 PMID: 25741868, with internal and published modifications).

NM_001352754.2(ARMC9):c.10A>G (p.Ile4Val)

Gene: ARMC9 (armadillo repeat containing 9; plus strand). Cytogenetic location: 2q37.1.
Variant type: single nucleotide variant.
Coding change: c.10A>G on transcript NM_001352754.2 (MANE Select); coding-DNA position 10, A replaced by G.
Protein change: p.Ile4Val; replaces isoleucine 4 with valine.
Molecular consequence: missense variant. On other transcripts: non-coding transcript variant (1).
Genome position (GRCh38, 1-based): chr2:231,206,248, A>G. VCF-style: chr2-231206248-A-G. GRCh37 (hg19) VCF-style: chr2-232070961-A-G.
Other names: c.10A>G (NM_025139.5); c.10A>G, p.Ile4Val (NM_001271466.4, NM_001291656.2, NM_001352755.2 and 5 more transcripts); short protein forms I4V.
Identifiers: ClinVar variation 727719 (VCV000727719.28), dbSNP rs61753914, ClinGen allele CA2159813.
Genomic context (GRCh38, chr2:231,206,248, plus strand): 5'-TGCCTTCTAGAGATTTTTGCTGTGAGAATTAATTACCAGTAACAGTTCAATATGGGGGAC[A>G]TTCTGGCTCATGAATCTGAATTACTTGGACTAGTGAAAGAGGTAGGTATATTATACAAAG-3'
Protein context (NP_001339683.2, residues 1-14): MGD[Ile4Val]LAHESELLGL